The following is an entry in ClinVar:

ClinVar aggregate classification (germline): Pathogenic (1 of 4 stars; one submission).

Conditions:
Early-infantile DEE. Also called: Early infantile epileptic encephalopathy; Ohtahara syndrome; Early infantile epileptic encephalopathy with suppression bursts. Identifiers: Orphanet 1934, MedGen C0393706, MONDO:0800491.

Submission:

Labcorp Genetics (formerly Invitae), Labcorp
Classification: Pathogenic for Early-infantile DEE. Last evaluated: 2023-03-22. Review status: criteria provided, single submitter. Criteria: Invitae Variant Classification Sherloc (09022015). Collection method: clinical testing. Allele origin: germline.
Comment: This sequence change creates a premature translational stop signal (p.Arg560Valfs*63) in the SCN1A gene. It is expected to result in an absent or disrupted protein product. Loss-of-function variants in SCN1A are known to be pathogenic (PMID: 17347258, 18930999). This variant is not present in population databases (gnomAD no frequency). This premature translational stop signal has been observed in individual(s) with SCN1A-related conditions (PMID: 29778030). For these reasons, this variant has been classified as Pathogenic.

Literature cited by the submitters: PubMed 17347258; PubMed 18930999; PubMed 29778030.

NM_001165963.4(SCN1A):c.1678del (p.Arg560fs)

Gene: SCN1A (sodium voltage-gated channel alpha subunit 1; minus strand). Cytogenetic location: 2q24.3.
Variant type: Deletion.
Coding change: c.1678del on transcript NM_001165963.4 (MANE Select); coding-DNA position 1678, one base deleted (C; older notation c.1678delC).
Protein change: p.Arg560fs; shifts the reading frame from arginine 560.
Molecular consequence: frameshift variant. On other transcripts: non-coding transcript variant (1), 5 prime UTR variant (1).
Genome position (GRCh38, 1-based): chr2:166,044,034, G deleted on the plus strand (C on the coding strand, the reverse complement: SCN1A is on the minus strand); the first of 2 consecutive G bases (chr2:166,044,034-166,044,035); deleting either gives the same sequence. VCF-style (leftmost placement, unchanged base first): chr2-166044033-CG-C. GRCh37 (hg19) VCF-style: chr2-166900543-CG-C.
Other names: c.1678del, p.Arg560fs (NM_006920.6, NM_001165964.3, NM_001202435.3 and 7 more transcripts); c.1675del, p.Arg559fs (NM_001353954.2, NM_001353955.2, NM_001353960.2); c.-748del (NM_001353961.2); short protein forms R560fs, R559fs.
Identifiers: ClinVar variation 2910147 (VCV002910147.3), dbSNP rs2468156389, ClinGen allele CA2586970505.